The following is an entry in ClinVar:

ClinVar aggregate classification (germline): Uncertain significance (1 of 4 stars; one submission).

Allele frequency attached by ClinVar (database versions not stated): gnomAD 0.00001.
gnomAD v4.1: 3 of 1,613,810 alleles (0.00019%); highest among the groups gnomAD compares: Admixed American, 0.0033%; no homozygotes.

Submission:

Labcorp Genetics (formerly Invitae), Labcorp
Classification: Uncertain significance. Last evaluated: 2024-11-05. Review status: criteria provided, single submitter. Criteria: Invitae Variant Classification Sherloc (09022015). Collection method: clinical testing. Allele origin: germline.
Comment: This sequence change replaces leucine, which is neutral and non-polar, with isoleucine, which is neutral and non-polar, at codon 467 of the DOCK6 protein (p.Leu467Ile). This variant is present in population databases (no rsID available, gnomAD 0.003%). This variant has not been reported in the literature in individuals affected with DOCK6-related conditions. ClinVar contains an entry for this variant (Variation ID: 1422847). Invitae Evidence Modeling of protein sequence and biophysical properties (such as structural, functional, and spatial information, amino acid conservation, physicochemical variation, residue mobility, and thermodynamic stability) has been performed for this missense variant. However, the output from this modeling did not meet the statistical confidence thresholds required to predict the impact of this variant on DOCK6 protein function. In summary, the available evidence is currently insufficient to determine the role of this variant in disease. Therefore, it has been classified as a Variant of Uncertain Significance.

NM_020812.4(DOCK6):c.1399C>A (p.Leu467Ile)

Gene: DOCK6 (dedicator of cytokinesis 6; minus strand). Cytogenetic location: 19p13.2.
Variant type: single nucleotide variant.
Coding change: c.1399C>A on transcript NM_020812.4 (MANE Select); coding-DNA position 1399, C replaced by A.
Protein change: p.Leu467Ile; replaces leucine 467 with isoleucine.
Molecular consequence: missense variant.
Genome position (GRCh38, 1-based): chr19:11,243,140, G>T on the plus strand (C>A on the coding strand, the complement: DOCK6 is on the minus strand). VCF-style: chr19-11243140-G-T. GRCh37 (hg19) VCF-style: chr19-11353816-G-T.
Other names: c.1399C>A, p.Leu467Ile (NM_001367830.1); short protein forms L467I.
Identifiers: ClinVar variation 1422847 (VCV001422847.6), dbSNP rs377436982, ClinGen allele CA404108772.